The following is an entry in ClinVar:

ClinVar aggregate classification (germline): Uncertain significance (1 of 4 stars; one submission).

Submission:

GeneDx
Classification: Uncertain significance. Last evaluated: 2022-06-01. Review status: criteria provided, single submitter. Criteria: GeneDx Variant Classification Process June 2021. Collection method: clinical testing. Allele origin: germline. Affected: yes.
Comment: Not observed at significant frequency in large population cohorts (gnomAD); In silico analysis supports a deleterious effect on splicing; Has not been previously published as pathogenic or benign to our knowledge

NM_001039591.3(USP9X):c.1986-13A>G

Gene: USP9X (ubiquitin specific peptidase 9 X-linked; plus strand). Cytogenetic location: Xp11.4.
Variant type: single nucleotide variant.
Coding change: c.1986-13A>G on transcript NM_001039591.3 (MANE Select); 13 bases into the intron before coding-DNA position 1986, A replaced by G.
Molecular consequence: intron variant.
Genome position (GRCh38, 1-based): chrX:41,165,859, A>G. VCF-style: chrX-41165859-A-G. GRCh37 (hg19) VCF-style: chrX-41025112-A-G.
Other names: c.1986-13A>G (NM_001039590.3).
Identifiers: ClinVar variation 1801875 (VCV001801875.1), dbSNP rs181844003, ClinGen allele CA2580100866.